The following is an entry in ClinVar:

NM_005751.5(AKAP9):c.643CAA[1] (p.Gln216del)

Gene: AKAP9 (A-kinase anchoring protein 9; plus strand). Cytogenetic location: 7q21.2.
Variant type: Microsatellite.
Coding change: c.643CAA[1] on transcript NM_005751.5 (MANE Select); one copy of the 3-base unit CAA starting at c.643; the reference has two copies in a row; one copy, 3 bases deleted; also written c.646_648del.
Protein change: p.Gln216del; deletes glutamine 216.
Molecular consequence: inframe deletion. On other transcripts: inframe indel (2).
Genome position (GRCh38, 1-based): chr7:91,994,690-91,994,692, CAA deleted; deleting any 3 consecutive bases within chr7:91,994,686-91,994,692 gives the same sequence; the position shown is the placement nearest the transcript's 3' end. VCF-style (leftmost placement, unchanged base first): chr7-91994685-TACA-T. GRCh37 (hg19) VCF-style: chr7-91623999-TACA-T.
Other names: c.643_645CAA[1], p.Gln216del (NM_005751.4); c.643CAA[1], p.Gln216del (NM_147185.3); c.646_648del (NM_005751.4); short protein forms Q216del.
Identifiers: ClinVar variation 2504548 (VCV002504548.1), dbSNP rs2484671334, ClinGen allele CA2580615913.
Genomic context (GRCh38, chr7:91,994,685, plus strand): 5'-AAGAATTTGAAGCTGCCATTAAACAAAGAGATGGCATTATAACCCAGCTCACTGCTAATT[TACA>T]ACAAGCAAGAAGAGAAAAGGATGAGACAATGAGAGAATTTTTAGAGTTGACAGAACAGAG-3'

ClinVar aggregate classification (germline): Uncertain significance (1 of 4 stars; one submission).

Submission:

GeneDx
Classification: Uncertain significance. Last evaluated: 2022-11-30. Review status: criteria provided, single submitter. Criteria: GeneDx Variant Classification Process June 2021. Collection method: clinical testing. Allele origin: germline. Affected: yes.
Comment: Not observed at significant frequency in large population cohorts (gnomAD); In-frame deletion of 1 amino acid in a non-repeat region; In silico analysis supports a deleterious effect on protein structure/function; Has not been previously published as pathogenic or benign to our knowledge